The following is an entry in ClinVar:

NM_001377265.1(MAPT):c.266C>G (p.Ala89Gly)

Gene: MAPT (microtubule associated protein tau). Cytogenetic location: 17q21.31.
Variant type: single nucleotide variant.
Coding change: c.266C>G on transcript NM_001377265.1 (MANE Select); coding-DNA position 266, C replaced by G.
Protein change: p.Ala89Gly; replaces alanine 89 with glycine.
Molecular consequence: missense variant. On other transcripts: non-coding transcript variant (1).
Genome position (GRCh38, 1-based): chr17:45,978,420, C>G. VCF-style: chr17-45978420-C-G. GRCh37 (hg19) VCF-style: chr17-44055786-C-G.
Other names: c.353C>G, p.Ala118Gly (NM_001123066.4, NM_001203252.2, NM_005910.6 and 1 more transcripts); c.266C>G, p.Ala89Gly (NM_001123067.4, NM_001203251.2, NM_001377266.1 and 1 more transcripts); c.179C>G, p.Ala60Gly (NM_001377268.1, NM_016834.5, NM_016841.5); short protein forms A60G, A89G, A118G.
Identifiers: ClinVar variation 1515029 (VCV001515029.8), dbSNP rs139796158, ClinGen allele CA8617643.

ClinVar aggregate classification (germline): Uncertain significance (1 of 4 stars; one submission).

Conditions:
Frontotemporal dementia (FTD1). Also called: FRONTOTEMPORAL DEMENTIA WITH PARKINSONISM; FRONTOTEMPORAL LOBE DEMENTIA; FRONTOTEMPORAL LOBAR DEGENERATION WITH TAU INCLUSIONS; FTLD WITH TAU INCLUSIONS; Frontotemporal lobe dementia (FLDEM); Frontotemporal Dementia with Parkinsonism-17 (FTDP-17). Identifiers: Orphanet 282, MedGen C0338451, MONDO:0017276, OMIM 600274, HP:0002145.

Allele frequency attached by ClinVar (database versions not stated): gnomAD exomes 0.00002 and 0.00005; ExAC 0.00007; gnomAD 0.00011 and 0.00014; TOPMed 0.00015; ESP Exome Variant Server 0.00023.
gnomAD v4.1: 42 of 1,603,970 alleles (0.0026%); highest among the groups gnomAD compares: African/African-American, 0.056%; no homozygotes.

Submission:

Labcorp Genetics (formerly Invitae), Labcorp
Classification: Uncertain significance for Frontotemporal dementia. Last evaluated: 2021-06-08. Review status: criteria provided, single submitter. Criteria: Invitae Variant Classification Sherloc (09022015). Collection method: clinical testing. Allele origin: germline.
Comment: In summary, the available evidence is currently insufficient to determine the role of this variant in disease. Therefore, it has been classified as a Variant of Uncertain Significance. This sequence change replaces alanine with glycine at codon 118 of the MAPT protein (p.Ala118Gly). The alanine residue is highly conserved and there is a small physicochemical difference between alanine and glycine. This variant is present in population databases (rs139796158, ExAC 0.08%). This variant has not been reported in the literature in individuals with MAPT-related conditions. Algorithms developed to predict the effect of missense changes on protein structure and function are either unavailable or do not agree on the potential impact of this missense change (SIFT: "Deleterious"; PolyPhen-2: "Probably Damaging"; Align-GVGD: "Class C0"). Algorithms developed to predict the effect of sequence changes on RNA splicing suggest that this variant may create or strengthen a splice site, but this prediction has not been confirmed by published transcriptional studies.